The following is an entry in ClinVar:

NM_006904.7(PRKDC):c.652C>T (p.Pro218Ser)

Gene: PRKDC (protein kinase, DNA-activated, catalytic subunit; minus strand). Cytogenetic location: 8q11.21.
Variant type: single nucleotide variant.
Coding change: c.652C>T on transcript NM_006904.7 (MANE Select); coding-DNA position 652, C replaced by T.
Protein change: p.Pro218Ser; replaces proline 218 with serine.
Molecular consequence: missense variant.
Genome position (GRCh38, 1-based): chr8:47,953,689, G>A on the plus strand (C>T on the coding strand, the complement: PRKDC is on the minus strand). VCF-style: chr8-47953689-G-A. GRCh37 (hg19) VCF-style: chr8-48866249-G-A.
Other names: c.652C>T, p.Pro218Ser (NM_001081640.2); short protein forms P218S.
Identifiers: ClinVar variation 1754066 (VCV001754066.2), dbSNP rs1408419780, ClinGen allele CA371138506.

ClinVar aggregate classification (germline): Uncertain significance (1 of 4 stars; one submission).

Allele frequency attached by ClinVar (database versions not stated): TOPMed 0.00002.

Submission:

Ambry Genetics
Classification: Uncertain significance. Last evaluated: 2021-10-16. Review status: criteria provided, single submitter. Criteria: Ambry Variant Classification Scheme 2023. Collection method: clinical testing. Allele origin: germline.
Comment: The p.P218S variant (also known as c.652C>T), located in coding exon 7 of the PRKDC gene, results from a C to T substitution at nucleotide position 652. The proline at codon 218 is replaced by serine, an amino acid with similar properties. This amino acid position is conserved. In addition, this alteration is predicted to be tolerated by in silico analysis. Since supporting evidence is limited at this time, the clinical significance of this alteration remains unclear.